The following is an entry in ClinVar:

ClinVar aggregate classification (germline): Uncertain significance (1 of 4 stars; one submission).

Submission:

Labcorp Genetics (formerly Invitae), Labcorp
Classification: Uncertain significance. Last evaluated: 2023-09-05. Review status: criteria provided, single submitter. Criteria: Invitae Variant Classification Sherloc (09022015). Collection method: clinical testing. Allele origin: germline.
Comment: In summary, the available evidence is currently insufficient to determine the role of this variant in disease. Therefore, it has been classified as a Variant of Uncertain Significance. An algorithm developed to predict the effect of missense changes on protein structure and function (PolyPhen-2) suggests that this variant is likely to be disruptive. This variant has not been reported in the literature in individuals affected with ERBIN-related conditions. This variant is not present in population databases (gnomAD no frequency). This sequence change replaces arginine, which is basic and polar, with serine, which is neutral and polar, at codon 1265 of the ERBIN protein (p.Arg1265Ser).

NM_001253697.2(ERBIN):c.3795G>T (p.Arg1265Ser)

Gene: ERBIN (erbb2 interacting protein; plus strand). Cytogenetic location: 5q12.3.
Variant type: single nucleotide variant.
Coding change: c.3795G>T on transcript NM_001253697.2 (MANE Select); coding-DNA position 3795, G replaced by T.
Protein change: p.Arg1265Ser; replaces arginine 1265 with serine.
Molecular consequence: missense variant. On other transcripts: intron variant (1).
Genome position (GRCh38, 1-based): chr5:66,075,062, G>T. VCF-style: chr5-66075062-G-T. GRCh37 (hg19) VCF-style: chr5-65370890-G-T.
Other names: c.3672G>T, p.Arg1224Ser (NM_001253698.2, NM_018695.4); c.3816G>T, p.Arg1272Ser (NM_001253699.2); c.3660G>T, p.Arg1220Ser (NM_001253701.2); c.3634-1254G>T (NM_001006600.3); short protein forms R1220S, R1224S, R1272S, R1265S.
Identifiers: ClinVar variation 2844037 (VCV002844037.3), dbSNP rs2546884834, ClinGen allele CA359870983.